The following is an entry in ClinVar:

ClinVar aggregate classification (germline): Uncertain significance (0 of 4 stars; one submission).

Conditions:
PHOX2B-related disorder. Also called: PHOX2B-related condition.

Submission:

PreventionGenetics, part of Exact Sciences
Classification: Uncertain significance for PHOX2B-related condition. Last evaluated: 2023-10-31. Review status: no assertion criteria provided. Collection method: clinical testing. Allele origin: germline.
Comment: The PHOX2B c.419C>G variant is predicted to result in the amino acid substitution p.Ala140Gly. To our knowledge, this variant has not been reported in the literature or in a large population database, indicating this variant is rare. At this time, the clinical significance of this variant is uncertain due to the absence of conclusive functional and genetic evidence.

NM_003924.4(PHOX2B):c.419C>G (p.Ala140Gly)

Gene: PHOX2B (paired like homeobox 2B; minus strand). Cytogenetic location: 4p13.
Variant type: single nucleotide variant.
Coding change: c.419C>G on transcript NM_003924.4 (MANE Select); coding-DNA position 419, C replaced by G.
Protein change: p.Ala140Gly; replaces alanine 140 with glycine.
Molecular consequence: missense variant.
Genome position (GRCh38, 1-based): chr4:41,747,359, G>C on the plus strand (C>G on the coding strand, the complement: PHOX2B is on the minus strand). VCF-style: chr4-41747359-G-C. GRCh37 (hg19) VCF-style: chr4-41749376-G-C.
Other names: short protein forms A140G.
Identifiers: ClinVar variation 3058206 (VCV003058206.2), dbSNP rs2552097012, ClinGen allele CA356739779.